The following is an entry in ClinVar:

ClinVar aggregate classification (germline): Pathogenic (1 of 4 stars; one submission).

Conditions:
Inborn genetic diseases. Identifiers: MedGen C0950123, MeSH D030342.

Submission:

Ambry Genetics
Classification: Pathogenic for Inborn genetic diseases. Last evaluated: 2025-09-11. Review status: criteria provided, single submitter. Criteria: Ambry Variant Classification Scheme 2023. Collection method: clinical testing. Allele origin: germline.
Comment: The c.220_224delAATGA (p.N74Efs*8) alteration, located in exon 5 (coding exon 4) of the WBP11 gene, consists of a deletion of 5 nucleotides from position 220 to 224, causing a translational frameshift with a predicted alternate stop codon after 8 amino acids. This alteration is expected to result in loss of function by premature protein truncation or nonsense-mediated mRNA decay. This variant was not reported in population-based cohorts in the Genome Aggregation Database (gnomAD). Based on the available evidence, this alteration is classified as pathogenic.

NM_016312.3(WBP11):c.220_224del (p.Asn74fs)

Gene: WBP11 (WW domain binding protein 11; minus strand). Cytogenetic location: 12p12.3.
Variant type: Deletion.
Coding change: c.220_224del on transcript NM_016312.3 (MANE Select); coding-DNA positions 220 to 224, 5 bases deleted (AATGA; older notation c.220_224delAATGA).
Protein change: p.Asn74fs; shifts the reading frame from asparagine 74.
Molecular consequence: frameshift variant.
Genome position (GRCh38, 1-based): chr12:14,796,970-14,796,974, TCATT deleted on the plus strand (AATGA on the coding strand, the reverse complement: WBP11 is on the minus strand); deleting any 5 consecutive bases within chr12:14,796,970-14,796,975 gives the same sequence; the c. name uses the placement nearest the transcript's 3' end. VCF-style (leftmost placement, unchanged base first): chr12-14796969-CTCATT-C. GRCh37 (hg19) VCF-style: chr12-14949903-CTCATT-C.
Other names: short protein forms N74fs.
Identifiers: ClinVar variation 4200220 (VCV004200220.1).